The following is an entry in ClinVar:

NM_022173.4(TIA1):c.1072T>G (p.Tyr358Asp)

Gene: TIA1 (TIA1 cytotoxic granule associated RNA binding protein; minus strand). Cytogenetic location: 2p13.3.
Variant type: single nucleotide variant.
Coding change: c.1072T>G on transcript NM_022173.4 (MANE Select); coding-DNA position 1072, T replaced by G.
Protein change: p.Tyr358Asp; replaces tyrosine 358 with aspartic acid.
Molecular consequence: missense variant. On other transcripts: non-coding transcript variant (17).
Genome position (GRCh38, 1-based): chr2:70,212,808, A>C on the plus strand (T>G on the coding strand, the complement: TIA1 is on the minus strand). VCF-style: chr2-70212808-A-C. GRCh37 (hg19) VCF-style: chr2-70439940-A-C.
Other names: c.1069T>G, p.Tyr357Asp (NM_001351508.2); c.1045T>G, p.Tyr349Asp (NM_001351509.2); c.1036T>G, p.Tyr346Asp (NM_001351510.2); c.961T>G, p.Tyr321Asp (NM_001351511.1); c.934T>G, p.Tyr312Asp (NM_001351512.1); c.928T>G, p.Tyr310Asp (NM_001351513.1); c.844T>G, p.Tyr282Asp (NM_001351514.2); c.769T>G, p.Tyr257Asp (NM_001351515.2); and 3 more; short protein forms Y217D, Y346D, Y257D, Y282D, Y321D, Y349D, Y310D, Y347D.
Identifiers: ClinVar variation 1972817 (VCV001972817.5), dbSNP rs1454620536, ClinGen allele CA347149327.

ClinVar aggregate classification (germline): Uncertain significance (1 of 4 stars; one submission).

Conditions:
Welander distal myopathy (WDM). Also called: Gower's muscular dystrophy; MUSCULAR DYSTROPHY, DISTAL, LATE-ONSET, AUTOSOMAL DOMINANT; Welander distal myopathy, Swedish type; Distal myopathy, Swedish type. Identifiers: Orphanet 603, MedGen C0221054, MONDO:0011466, OMIM 604454.

Allele frequency attached by ClinVar (database versions not stated): gnomAD exomes below 0.00001; gnomAD 0.00001; TOPMed 0.00001.
gnomAD v4.1: 2 of 1,613,920 alleles (0.00012%); highest among the groups gnomAD compares: African/African-American, 0.0027%; no homozygotes.

Submission:

Labcorp Genetics (formerly Invitae), Labcorp
Classification: Uncertain significance for Welander distal myopathy. Last evaluated: 2022-07-15. Review status: criteria provided, single submitter. Criteria: Invitae Variant Classification Sherloc (09022015). Collection method: clinical testing. Allele origin: germline.
Comment: This sequence change replaces tyrosine, which is neutral and polar, with aspartic acid, which is acidic and polar, at codon 358 of the TIA1 protein (p.Tyr358Asp). This variant is present in population databases (no rsID available, gnomAD 0.007%). This variant has not been reported in the literature in individuals affected with TIA1-related conditions. Algorithms developed to predict the effect of missense changes on protein structure and function (SIFT, PolyPhen-2, Align-GVGD) all suggest that this variant is likely to be tolerated. In summary, the available evidence is currently insufficient to determine the role of this variant in disease. Therefore, it has been classified as a Variant of Uncertain Significance.